The following is an entry in ClinVar:

ClinVar aggregate classification (germline): Pathogenic/Likely pathogenic. Review status: criteria provided, multiple submitters, no conflicts (2 of 4 stars). 2 submissions from 2 submitters: Pathogenic (1); Likely pathogenic (1). Last evaluated 2024-09-04.

Conditions:
Congenital myasthenic syndrome (CMS). Also called: Congenital Myasthenic Syndromes. Identifiers: Orphanet 590, MedGen C0751882, MeSH D020294, MONDO:0018940.
Fetal akinesia deformation sequence 1 (FADS1). Also called: Pena-Shokeir syndrome type I; Fetal akinesia sequence. Identifiers: Orphanet 994, MedGen C1276035, MONDO:0100101, OMIM 208150, HP:0001989.
Congenital myasthenic syndrome 11. Also called: MYASTHENIC SYNDROME, CONGENITAL, Ie; Myasthenic syndrome, congenital, 11, associated with acetylcholine receptor deficiency. Identifiers: Orphanet 590, MedGen C4225367, MONDO:0014588, OMIM 616326.

Submissions (2):

Natera, Inc.
Classification: Likely pathogenic for Congenital myasthenic syndrome. Last evaluated: 2024-09-04. Review status: criteria provided, single submitter. Criteria: Natera Variant Classification Schema (03/2026). Collection method: clinical testing. Allele origin: germline.
Comment: The c.531+1G>A variant in RAPSN is a canonical splice donor site variant predicted to affect pre-mRNA splicing, which may result in an abnormal transcript and altered protein product. This variant is expected to result in nonsense mediated decay, truncation, or a dysfunctional protein product. This variant is rare in the general population with a frequency below the threshold expected for the associated phenotype(s). Given the available evidence, this variant is classified as Likely Pathogenic.

Labcorp Genetics (formerly Invitae), Labcorp
Classification: Pathogenic for Congenital myasthenic syndrome 11; Fetal akinesia deformation sequence 1. Last evaluated: 2023-08-14. Review status: criteria provided, single submitter. Criteria: Invitae Variant Classification Sherloc (09022015). Collection method: clinical testing. Allele origin: germline.
Comment: This sequence change affects a donor splice site in intron 2 of the RAPSN gene. It is expected to disrupt RNA splicing. Variants that disrupt the donor or acceptor splice site typically lead to a loss of protein function (PMID: 16199547), and loss-of-function variants in RAPSN are known to be pathogenic (PMID: 17686188). This variant is not present in population databases (gnomAD no frequency). Disruption of this splice site has been observed in individual(s) with clinical features of congenital myasthenic syndrome (Invitae). In at least one individual the data is consistent with being in trans (on the opposite chromosome) from a pathogenic variant. Algorithms developed to predict the effect of sequence changes on RNA splicing suggest that this variant may disrupt the consensus splice site. For these reasons, this variant has been classified as Pathogenic.

Literature cited by the submitters: PubMed 16199547 (cited by Labcorp Genetics (formerly Invitae), Labcorp); PubMed 17686188 (cited by Labcorp Genetics (formerly Invitae), Labcorp).

NM_005055.5(RAPSN):c.531+1G>A

Gene: RAPSN (receptor associated protein of the synapse; minus strand). Cytogenetic location: 11p11.2.
Variant type: single nucleotide variant.
Coding change: c.531+1G>A on transcript NM_005055.5 (MANE Select); the canonical splice donor site of the intron after coding-DNA position 531, G replaced by A.
Molecular consequence: splice donor variant.
Genome position (GRCh38, 1-based): chr11:47,447,811, C>T on the plus strand (G>A on the coding strand, the complement: RAPSN is on the minus strand). VCF-style: chr11-47447811-C-T. GRCh37 (hg19) VCF-style: chr11-47469363-C-T.
Other names: c.531+1G>A (NM_005055.4, NM_032645.5).
Identifiers: ClinVar variation 2937026 (VCV002937026.4), dbSNP rs1421354085, ClinGen allele CA380333479.
Genomic context (GRCh38, chr11:47,447,811, plus strand): 5'-TGCCTCATGAGAGGGGAGCCCCAAAACCCTCCACTGCTGTCCCCCTGGGGTGCAGGCCCA[C>T]CTTGACCTGGGCATAGAAGCTGCCCAGGCTGCAGCACACGCGGCACTCGAGCATGGCGTC-3'